The following is an entry in ClinVar:

NM_000628.5(IL10RB):c.833T>C (p.Leu278Pro)

Genes: IFNAR2-IL10RB (IFNAR2-IL10RB readthrough; plus strand), IL10RB (interleukin 10 receptor subunit beta; plus strand). Cytogenetic location: 21q22.11.
Variant type: single nucleotide variant.
Coding change: c.833T>C on transcript NM_000628.5 (MANE Select); coding-DNA position 833, T replaced by C.
Protein change: p.Leu278Pro; replaces leucine 278 with proline.
Molecular consequence: missense variant. On other transcripts: 3 prime UTR variant (1), intron variant (2).
Genome position (GRCh38, 1-based): chr21:33,296,212, T>C. VCF-style: chr21-33296212-T-C. GRCh37 (hg19) VCF-style: chr21-34668517-T-C.
Other names: c.1493T>C, p.Leu498Pro (NM_001414505.1); c.*6T>C (NM_001406840.1); c.804+7951T>C (NM_001405849.1, NM_001405850.1); short protein forms L498P, L278P.
Identifiers: ClinVar variation 2097290 (VCV002097290.4), dbSNP rs781553501, ClinGen allele CA410096191.

ClinVar aggregate classification (germline): Uncertain significance (1 of 4 stars; one submission).

Conditions:
Inflammatory bowel disease 25. Also called: Inflammatory bowel disease 25, early onset, autosomal recessive. Identifiers: Orphanet 238569, MedGen C2675508, MONDO:0012941, OMIM 612567.

gnomAD v4.1: 2 of 1,614,102 alleles (0.00012%); highest among the groups gnomAD compares: Non-Finnish European, 0.00017%; no homozygotes.

Submission:

Labcorp Genetics (formerly Invitae), Labcorp
Classification: Uncertain significance for Inflammatory bowel disease 25. Last evaluated: 2022-10-13. Review status: criteria provided, single submitter. Criteria: Invitae Variant Classification Sherloc (09022015). Collection method: clinical testing. Allele origin: germline.
Comment: Algorithms developed to predict the effect of missense changes on protein structure and function (SIFT, PolyPhen-2, Align-GVGD) all suggest that this variant is likely to be tolerated. This sequence change replaces leucine, which is neutral and non-polar, with proline, which is neutral and non-polar, at codon 278 of the IL10RB protein (p.Leu278Pro). This variant is present in population databases (no rsID available, gnomAD 0.0009%). This variant has not been reported in the literature in individuals affected with IL10RB-related conditions. In summary, the available evidence is currently insufficient to determine the role of this variant in disease. Therefore, it has been classified as a Variant of Uncertain Significance.